The following is an entry in ClinVar:

ClinVar aggregate classification (germline): Likely benign (1 of 4 stars; one submission).

Submission:

CeGaT Center for Human Genetics Tuebingen
Classification: Likely benign. Last evaluated: 2024-02-01. Review status: criteria provided, single submitter. Criteria: CeGaT Center For Human Genetics Tuebingen Variant Classification Criteria Version 2. Collection method: clinical testing. Allele origin: germline. Affected: yes. Observed: 1 variant allele.
Comment: CHTOP: BP3

NM_015607.4(CHTOP):c.579AGGCCG[4] (p.Gly204_Ala205insArgGly)

Gene: CHTOP (chromatin target of PRMT1; plus strand). Cytogenetic location: 1q21.3.
Variant type: Microsatellite.
Coding change: c.579AGGCCG[4] on transcript NM_015607.4 (MANE Select); four copies in a row of the 6-base unit AGGCCG starting at c.579; the reference has three copies in a row; one copy, 6 bases duplicated.
Protein change: p.Gly204_Ala205insArgGly.
Molecular consequence: inframe insertion. On other transcripts: 3 prime UTR variant (1).
Genome position (GRCh38, 1-based): chr1:153,645,113-153,645,118, AGGCCG duplicated; duplicating any 6 consecutive bases within chr1:153,645,100-153,645,118 gives the same sequence; the position shown is the placement nearest the transcript's 3' end. VCF-style (leftmost placement, unchanged base first): chr1-153645099-G-GGAGGCC. GRCh37 (hg19) VCF-style: chr1-153617575-G-GGAGGCC.
Other names: c.582AGGCCG[4], p.Gly205_Ala206insArgGly (NM_001206612.2); c.*26AGGCCG[4] (NM_001244664.2); c.441AGGCCG[4], p.Gly158_Ala159insArgGly (NM_001317077.2).
Identifiers: ClinVar variation 3025635 (VCV003025635.22), dbSNP rs576056136, ClinGen allele CA1117172.